The following is an entry in ClinVar:

NM_001127208.3(TET2):c.2325C>A (p.Phe775Leu)

Genes: TET2 (tet methylcytosine dioxygenase 2; plus strand), TET2-AS1 (TET2 antisense RNA 1; minus strand). Cytogenetic location: 4q24.
Variant type: single nucleotide variant.
Coding change: c.2325C>A on transcript NM_001127208.3 (MANE Select); coding-DNA position 2325, C replaced by A.
Protein change: p.Phe775Leu; replaces phenylalanine 775 with leucine.
Molecular consequence: missense variant.
Genome position (GRCh38, 1-based): chr4:105,236,267, C>A. VCF-style: chr4-105236267-C-A. GRCh37 (hg19) VCF-style: chr4-106157424-C-A.
Other names: c.2325C>A, p.Phe775Leu (NM_017628.4); short protein forms F775L.
Identifiers: ClinVar variation 4594185 (VCV004594185.1).

ClinVar aggregate classification (germline): Uncertain significance (1 of 4 stars; one submission).

Submission:

Ambry Genetics
Classification: Uncertain significance. Last evaluated: 2025-11-01. Review status: criteria provided, single submitter. Criteria: Ambry Variant Classification Scheme 2023. Collection method: clinical testing. Allele origin: germline.
Comment: The p.F775L variant (also known as c.2325C>A), located in coding exon 1 of the TET2 gene, results from a C to A substitution at nucleotide position 2325. The phenylalanine at codon 775 is replaced by leucine, an amino acid with highly similar properties. This amino acid position is conserved. In addition, this alteration is predicted to be tolerated by in silico analysis. Based on the available evidence, the clinical significance of this variant remains unclear.